The following is an entry in ClinVar:

ClinVar aggregate classification (germline): Likely benign (1 of 4 stars; one submission).

Allele frequency attached by ClinVar (database versions not stated): gnomAD exomes 0.00110; 1000 Genomes Project 0.00120; 1000 Genomes Project 30x 0.00125; gnomAD 0.00150; TOPMed 0.00172.
gnomAD v4.1: 1,476 of 1,232,156 alleles (0.12%); highest among the groups gnomAD compares: Middle Eastern, 1.9%; 7 homozygotes.

Submission:

CeGaT Center for Human Genetics Tuebingen
Classification: Likely benign. Last evaluated: 2025-10-01. Review status: criteria provided, single submitter. Criteria: CeGaT Center For Human Genetics Tuebingen Variant Classification Criteria Version 2. Collection method: clinical testing. Allele origin: germline. Affected: yes. Observed: 3 variant alleles.
Comment: GIPC3: BS2

NM_133261.3(GIPC3):c.*2608C>T

Gene: GIPC3 (GIPC PDZ domain containing family member 3; plus strand). Cytogenetic location: 19p13.3.
Variant type: single nucleotide variant.
Coding change: c.*2608C>T on transcript NM_133261.3 (MANE Select); 2608 bases downstream of the stop codon, C replaced by T.
Molecular consequence: 3 prime UTR variant. On other transcripts: missense variant (1).
Genome position (GRCh38, 1-based): chr19:3,592,798, C>T. VCF-style: chr19-3592798-C-T. GRCh37 (hg19) VCF-style: chr19-3592796-C-T.
Other names: c.3560C>T, p.Thr1187Ile (NM_001411144.1); short protein forms T1187I.
Identifiers: ClinVar variation 2649001 (VCV002649001.24), dbSNP rs146274408, ClinGen allele CA304419204.